The following is an entry in ClinVar:

NM_014339.7(IL17RA):c.51del (p.Leu18fs)

Genes: IL17RA (interleukin 17 receptor A; plus strand), LOC130066894 (ATAC-STARR-seq lymphoblastoid silent region 13430; plus strand). Cytogenetic location: 22q11.1.
Variant type: Deletion.
Coding change: c.51del on transcript NM_014339.7 (MANE Select); coding-DNA position 51, one base deleted (G; older notation c.51delG).
Protein change: p.Leu18fs; shifts the reading frame from leucine 18.
Molecular consequence: frameshift variant.
Genome position (GRCh38, 1-based): chr22:17,085,142, G deleted; the last of 4 consecutive G bases (chr22:17,085,139-17,085,142); deleting any one gives the same sequence. VCF-style (leftmost placement, unchanged base first): chr22-17085138-TG-T. GRCh37 (hg19) VCF-style: chr22-17566028-TG-T.
Other names: c.51del, p.Leu18fs (NM_001289905.2); short protein forms L18fs.
Identifiers: ClinVar variation 3722419 (VCV003722419.2).
Genomic context (GRCh38, chr22:17,085,138, plus strand): 5'-ACGCCAGCCGGGCCATGGGGGCCGCACGCAGCCCGCCGTCCGCTGTCCCGGGGCCCCTGC[TG>T]GGGCTGCTCCTGCTGCTCCTGGGCGTGCTGGCCCCGGGTGGCGCCTCCCTGCGACTCCTG-3'

ClinVar aggregate classification (germline): Pathogenic (1 of 4 stars; one submission).

Conditions:
Immunodeficiency 51 (IMD51). Also called: CANDIDIASIS, FAMILIAL, 5. Identifiers: Orphanet 1334, MedGen C4310803, MONDO:0013500, OMIM 613953.

Submission:

Labcorp Genetics (formerly Invitae), Labcorp
Classification: Pathogenic for Immunodeficiency 51. Last evaluated: 2024-10-07. Review status: criteria provided, single submitter. Criteria: Invitae Variant Classification Sherloc (09022015). Collection method: clinical testing. Allele origin: germline.
Comment: This sequence change creates a premature translational stop signal (p.Leu18Cysfs*31) in the IL17RA gene. It is expected to result in an absent or disrupted protein product. Loss-of-function variants in IL17RA are known to be pathogenic (PMID: 27930337). This variant is not present in population databases (gnomAD no frequency). This variant has not been reported in the literature in individuals affected with IL17RA-related conditions. For these reasons, this variant has been classified as Pathogenic.

Literature cited by the submitters: PubMed 27930337.